The following is an entry in ClinVar:

NM_001352754.2(ARMC9):c.2293C>T (p.Arg765Trp)

Gene: ARMC9 (armadillo repeat containing 9; plus strand). Cytogenetic location: 2q37.1.
Variant type: single nucleotide variant.
Coding change: c.2293C>T on transcript NM_001352754.2 (MANE Select); coding-DNA position 2293, C replaced by T.
Protein change: p.Arg765Trp; replaces arginine 765 with tryptophan.
Molecular consequence: missense variant.
Genome position (GRCh38, 1-based): chr2:231,369,984, C>T. VCF-style: chr2-231369984-C-T. GRCh37 (hg19) VCF-style: chr2-232234695-C-T.
Other names: c.2293C>T, p.Arg765Trp (NM_001271466.4); short protein forms R765W.
Identifiers: ClinVar variation 2079310 (VCV002079310.2), dbSNP rs1043383250, ClinGen allele CA66863859.
Genomic context (GRCh38, chr2:231,369,984, plus strand): 5'-GGGACTCCAGGTTGCACGTTTTGTTCTAGGGAATGTGCATCAGCCTTCACCTGCAAGCCC[C>T]GGGCCCCCTGCACTCCAGAGATGCTGGACTGGAACCCACCCAAGGCAAAGGCGTCAGTTC-3'
Protein context (NP_001339683.2, residues 755-775): ECASAFTCKP[Arg765Trp]APCTPEMLDW

ClinVar aggregate classification (germline): Uncertain significance (1 of 4 stars; one submission).

Allele frequency attached by ClinVar (database versions not stated): gnomAD exomes 0.00002; gnomAD 0.00007.
gnomAD v4.1: 39 of 1,529,390 alleles (0.0026%); highest among the groups gnomAD compares: African/African-American, 0.021%; no homozygotes.

Submission:

Labcorp Genetics (formerly Invitae), Labcorp
Classification: Uncertain significance. Last evaluated: 2024-11-05. Review status: criteria provided, single submitter. Criteria: Invitae Variant Classification Sherloc (09022015). Collection method: clinical testing. Allele origin: germline.
Comment: This sequence change replaces arginine, which is basic and polar, with tryptophan, which is neutral and slightly polar, at codon 765 of the ARMC9 protein (p.Arg765Trp). This variant is present in population databases (no rsID available, gnomAD 0.03%). This variant has not been reported in the literature in individuals affected with ARMC9-related conditions. ClinVar contains an entry for this variant (Variation ID: 2079310). Experimental studies and prediction algorithms are not available or were not evaluated, and the functional significance of this variant is currently unknown. In summary, the available evidence is currently insufficient to determine the role of this variant in disease. Therefore, it has been classified as a Variant of Uncertain Significance.